The following is an entry in ClinVar:

ClinVar aggregate classification (germline): Conflicting classifications of pathogenicity. Review status: criteria provided, conflicting classifications (1 of 4 stars). 6 submissions from 6 submitters: Uncertain significance (2); Likely benign (3). 1 of the submissions does not count toward it. Last evaluated 2026-02-02.

Conditions:
FARS2-related disorder. Also called: FARS2-related disorders; FARS2-related condition.
Combined oxidative phosphorylation defect type 14. Also called: Combined oxidative phosphorylation deficiency 14. Identifiers: Orphanet 319519, MedGen C4755312, MONDO:0013986, OMIM 614946.

Allele frequency attached by ClinVar (database versions not stated): 1000 Genomes Project 30x 0.00047; 1000 Genomes Project 0.00060; TOPMed 0.00131; gnomAD 0.00141; ESP Exome Variant Server 0.00161.
gnomAD v4.1: 404 of 1,613,932 alleles (0.025%); highest among the groups gnomAD compares: African/African-American, 0.49%; no homozygotes.

Submissions (6):

Labcorp Genetics (formerly Invitae), Labcorp
Classification: Likely benign for Combined oxidative phosphorylation defect type 14. Last evaluated: 2026-02-02. Review status: criteria provided, single submitter. Criteria: Invitae Variant Classification Sherloc (09022015). Collection method: clinical testing. Allele origin: germline.

GeneDx
Classification: Likely benign. Last evaluated: 2025-01-16. Review status: criteria provided, single submitter. Criteria: GeneDx Variant Classification Process June 2021. Collection method: clinical testing. Allele origin: germline. Affected: yes.
Comment: See Variant Classification Assertion Criteria.

ARUP Laboratories, Molecular Genetics and Genomics, ARUP Laboratories
Classification: Likely benign. Last evaluated: 2024-06-06. Review status: criteria provided, single submitter. Criteria: ARUP Molecular Germline Variant Investigation Process 2024. Collection method: clinical testing. Allele origin: germline.

Baylor Genetics
Classification: Uncertain significance for Combined oxidative phosphorylation defect type 14. Last evaluated: 2022-09-06. Review status: criteria provided, single submitter. Criteria: ACMG Guidelines, 2015. Collection method: clinical testing. Allele origin: unknown.

Wong Mito Lab, Molecular and Human Genetics, Baylor College of Medicine
Classification: Uncertain significance for Combined oxidative phosphorylation deficiency 14. Last evaluated: 2018-06-13. Review status: criteria provided, single submitter. Criteria: ACMG Guidelines, 2015. Collection method: clinical testing. Allele origin: germline.

PreventionGenetics, part of Exact Sciences
Classification: Likely benign for FARS2-related condition. Last evaluated: 2022-04-29. Review status: no assertion criteria provided. Collection method: clinical testing. Allele origin: germline. Not counted in ClinVar's aggregate classification.
Comment: This variant is classified as likely benign based on ACMG/AMP sequence variant interpretation guidelines (Richards et al. 2015 PMID: 25741868, with internal and published modifications).

NM_006567.5(FARS2):c.506A>T (p.Asp169Val)

Genes: FARS2 (phenylalanyl-tRNA synthetase 2, mitochondrial; plus strand), LOC126859565 (CDK7 strongly-dependent group 2 enhancer GRCh37_chr6:5368745-5369944; plus strand). Cytogenetic location: 6p25.1.
Variant type: single nucleotide variant.
Coding change: c.506A>T on transcript NM_006567.5 (MANE Select); coding-DNA position 506, A replaced by T.
Protein change: p.Asp169Val; replaces aspartic acid 169 with valine.
Molecular consequence: missense variant. On other transcripts: intron variant (2).
Genome position (GRCh38, 1-based): chr6:5,369,076, A>T. VCF-style: chr6-5369076-A-T. GRCh37 (hg19) VCF-style: chr6-5369309-A-T.
Other names: p.D169V:GAT>GTT; c.506A>T, p.Asp169Val (NM_001318872.2, NM_001374875.1, NM_001374876.1 and 5 more transcripts); c.-340-27557A>T (NM_001375260.1); c.-84-35466A>T (NM_001375259.1); short protein forms D169V.
Identifiers: ClinVar variation 214338 (VCV000214338.19), dbSNP rs146356199, ClinGen allele CA324892.
Genomic context (GRCh38, chr6:5,369,076, plus strand): 5'-CTCACATGCTGAGAGCGCACACGTCTGCACACCAGTGGGACTTGCTGCACGCGGGACTGG[A>T]TGCCTTCCTGGTGGTGGGTGATGTCTACAGGCGTGACCAGATCGACTCCCAGCACTACCC-3'
Protein context (NP_006558.1, residues 159-179): HQWDLLHAGL[Asp169Val]AFLVVGDVYR